The following is an entry in ClinVar:

ClinVar aggregate classification (germline): Benign/Likely benign. Review status: criteria provided, multiple submitters, no conflicts (2 of 4 stars). 7 submissions from 7 submitters: Benign (1); Likely benign (5). 1 of the submissions does not count toward it. Last evaluated 2026-06-01.

Conditions:
Inborn genetic diseases. Identifiers: MedGen C0950123, MeSH D030342.
CHD2-related disorder. Also called: CHD2-related condition.
Developmental and epileptic encephalopathy 94 (DEE94). Also called: Epileptic encephalopathy, childhood-onset; CHD2-Related Neurodevelopmental Disorders. Identifiers: Orphanet 1942, Orphanet 2382, MedGen C3809278, MONDO:0014150, OMIM 615369.

Allele frequency attached by ClinVar (database versions not stated): ESP Exome Variant Server 0.00023; gnomAD 0.00029 and 0.00031; 1000 Genomes Project 30x 0.00031; TOPMed 0.00034; 1000 Genomes Project 0.00040; gnomAD exomes 0.00006 and 0.00011; ExAC 0.00015.
gnomAD v4.1: 139 of 1,585,934 alleles (0.0088%); highest among the groups gnomAD compares: African/African-American, 0.11%; no homozygotes.

Submissions (7):

CeGaT Center for Human Genetics Tuebingen
Classification: Likely benign. Last evaluated: 2026-06-01. Review status: criteria provided, single submitter. Criteria: CeGaT Center For Human Genetics Tuebingen Variant Classification Criteria Version 2. Collection method: clinical testing. Allele origin: germline. Affected: yes. Observed: 2 variant alleles.
Comment: CHD2: BS1

Labcorp Genetics (formerly Invitae), Labcorp
Classification: Likely benign for Developmental and epileptic encephalopathy 94. Last evaluated: 2026-01-26. Review status: criteria provided, single submitter. Criteria: Invitae Variant Classification Sherloc (09022015). Collection method: clinical testing. Allele origin: germline.

Women's Health and Genetics/Laboratory Corporation of America, LabCorp
Classification: Likely benign. Last evaluated: 2025-12-30. Review status: criteria provided, single submitter. Criteria: LabCorp Variant Classification Summary - May 2015. Collection method: clinical testing. Allele origin: germline.
Comment: Variant summary: CHD2 c.1214C>T (p.Pro405Leu) results in a non-conservative amino acid change in the encoded protein sequence. Algorithms developed to predict the effect of missense changes on protein structure and function are either unavailable or do not agree on the potential impact of this missense change. The variant allele was found at a frequency of 0.00011 in 239314 control chromosomes (gnomAD). To our knowledge, no occurrence of c.1214C>T in individuals affected with CHD2-related conditions and no experimental evidence demonstrating its impact on protein function have been reported. ClinVar contains an entry for this variant (Variation ID: 389781). Based on the evidence outlined above, the variant was classified as likely benign.

Ambry Genetics
Classification: Likely benign for Inborn genetic diseases. Last evaluated: 2025-01-22. Review status: criteria provided, single submitter. Criteria: Ambry Variant Classification Scheme 2023. Collection method: clinical testing. Allele origin: germline.

Blueprint Genetics
Classification: Likely benign. Last evaluated: 2024-08-15. Review status: criteria provided, single submitter. Criteria: ACMG Guidelines, 2015. Collection method: clinical testing. Allele origin: germline.

GeneDx
Classification: Benign. Last evaluated: 2019-12-31. Review status: criteria provided, single submitter. Criteria: GeneDx Variant Classification Process June 2021. Collection method: clinical testing. Allele origin: germline. Affected: yes.
Comment: This variant is associated with the following publications: (PMID: 30564305)

PreventionGenetics, part of Exact Sciences
Classification: Likely benign for CHD2-related condition. Last evaluated: 2024-03-12. Review status: no assertion criteria provided. Collection method: clinical testing. Allele origin: germline. Not counted in ClinVar's aggregate classification.
Comment: This variant is classified as likely benign based on ACMG/AMP sequence variant interpretation guidelines (Richards et al. 2015 PMID: 25741868, with internal and published modifications).

NM_001271.4(CHD2):c.1214C>T (p.Pro405Leu)

Gene: CHD2 (chromodomain helicase DNA binding protein 2; plus strand). Cytogenetic location: 15q26.1.
Variant type: single nucleotide variant.
Coding change: c.1214C>T on transcript NM_001271.4 (MANE Select); coding-DNA position 1214, C replaced by T.
Protein change: p.Pro405Leu; replaces proline 405 with leucine.
Molecular consequence: missense variant.
Genome position (GRCh38, 1-based): chr15:92,946,053, C>T. VCF-style: chr15-92946053-C-T. GRCh37 (hg19) VCF-style: chr15-93489283-C-T.
Other names: c.1214C>T, p.Pro405Leu (NM_001042572.3); short protein forms P405L.
Identifiers: ClinVar variation 389781 (VCV000389781.41), dbSNP rs370464322, ClinGen allele CA7747756.